The following is an entry in ClinVar:

ClinVar aggregate classification (germline): Uncertain significance (1 of 4 stars; one submission).

Conditions:
Familial adenomatous polyposis 1 (FAP1). Also called: POLYPOSIS, ADENOMATOUS INTESTINAL; FAMILIAL ADENOMATOUS POLYPOSIS 1, ATTENUATED. Identifiers: MedGen C2713442, MONDO:0021056, OMIM 175100. Disease mechanism: loss of function.

Allele frequency attached by ClinVar (database versions not stated): gnomAD exomes below 0.00001.
gnomAD v4.1: 2 of 1,614,194 alleles (0.00012%); highest among the groups gnomAD compares: Non-Finnish European, 0.00017%; no homozygotes.

Submission:

Labcorp Genetics (formerly Invitae), Labcorp
Classification: Uncertain significance for Familial adenomatous polyposis 1. Last evaluated: 2022-08-10. Review status: criteria provided, single submitter. Criteria: Invitae Variant Classification Sherloc (09022015). Collection method: clinical testing. Allele origin: germline.
Comment: This variant is not present in population databases (gnomAD no frequency). In summary, the available evidence is currently insufficient to determine the role of this variant in disease. Therefore, it has been classified as a Variant of Uncertain Significance. Algorithms developed to predict the effect of missense changes on protein structure and function output the following: SIFT: "Tolerated"; PolyPhen-2: "Benign"; Align-GVGD: "Class C0". The threonine amino acid residue is found in multiple mammalian species, which suggests that this missense change does not adversely affect protein function. This variant has not been reported in the literature in individuals affected with APC-related conditions. This sequence change replaces asparagine, which is neutral and polar, with threonine, which is neutral and polar, at codon 920 of the APC protein (p.Asn920Thr).

NM_000038.6(APC):c.2759A>C (p.Asn920Thr)

Gene: APC (APC regulator of Wnt signaling pathway; plus strand). Cytogenetic location: 5q22.2.
Variant type: single nucleotide variant.
Coding change: c.2759A>C on transcript NM_000038.6 (MANE Select); coding-DNA position 2759, A replaced by C.
Protein change: p.Asn920Thr; replaces asparagine 920 with threonine.
Molecular consequence: missense variant.
Genome position (GRCh38, 1-based): chr5:112,838,353, A>C. VCF-style: chr5-112838353-A-C. GRCh37 (hg19) VCF-style: chr5-112174050-A-C.
Other names: c.2759A>C, p.Asn920Thr (NM_001127510.3, NM_001354895.2, NM_001407450.1); c.2705A>C, p.Asn902Thr (NM_001127511.3); c.2813A>C, p.Asn938Thr (NM_001354896.2, NM_001407447.1, NM_001407448.1 and 1 more transcripts); c.2789A>C, p.Asn930Thr (NM_001354897.2); c.2684A>C, p.Asn895Thr (NM_001354898.2); c.2675A>C, p.Asn892Thr (NM_001354899.2); c.2636A>C, p.Asn879Thr (NM_001354900.2); c.2582A>C, p.Asn861Thr (NM_001354901.2, NM_001407453.1); and 11 more; short protein forms N536T, N637T, N760T, N791T, N794T, N819T, N829T, N837T.
Identifiers: ClinVar variation 1716004 (VCV001716004.6), dbSNP rs1765257361, ClinGen allele CA16027351.